The following is an entry in ClinVar:

ClinVar aggregate classification (germline): Uncertain significance (1 of 4 stars; one submission).

Conditions:
Spastic paraplegia. Identifiers: MedGen C0037772, HP:0001258.

Allele frequency attached by ClinVar (database versions not stated): TOPMed below 0.00001; gnomAD 0.00001; ExAC 0.00002.
gnomAD v4.1: 18 of 1,613,888 alleles (0.0011%); highest among the groups gnomAD compares: Admixed American, 0.0083%; 1 homozygote.

Submission:

Labcorp Genetics (formerly Invitae), Labcorp
Classification: Uncertain significance for Spastic paraplegia. Last evaluated: 2024-10-24. Review status: criteria provided, single submitter. Criteria: Invitae Variant Classification Sherloc (09022015). Collection method: clinical testing. Allele origin: germline.
Comment: This sequence change replaces valine, which is neutral and non-polar, with methionine, which is neutral and non-polar, at codon 2181 of the ZFYVE26 protein (p.Val2181Met). This variant is present in population databases (rs759378240, gnomAD 0.01%). This variant has not been reported in the literature in individuals affected with ZFYVE26-related conditions. ClinVar contains an entry for this variant (Variation ID: 2158790). An algorithm developed to predict the effect of missense changes on protein structure and function outputs the following: PolyPhen-2: "Benign". The methionine amino acid residue is found in multiple mammalian species, which suggests that this missense change does not adversely affect protein function. In summary, the available evidence is currently insufficient to determine the role of this variant in disease. Therefore, it has been classified as a Variant of Uncertain Significance.

NM_015346.4(ZFYVE26):c.6541G>A (p.Val2181Met)

Gene: ZFYVE26 (zinc finger FYVE-type containing 26; minus strand). Cytogenetic location: 14q24.1.
Variant type: single nucleotide variant.
Coding change: c.6541G>A on transcript NM_015346.4 (MANE Select); coding-DNA position 6541, G replaced by A.
Protein change: p.Val2181Met; replaces valine 2181 with methionine.
Molecular consequence: missense variant.
Genome position (GRCh38, 1-based): chr14:67,761,413, C>T on the plus strand (G>A on the coding strand, the complement: ZFYVE26 is on the minus strand). VCF-style: chr14-67761413-C-T. GRCh37 (hg19) VCF-style: chr14-68228130-C-T.
Other names: short protein forms V2181M.
Identifiers: ClinVar variation 2158790 (VCV002158790.3), dbSNP rs759378240, ClinGen allele CA7239207.